The following is an entry in ClinVar:

ClinVar aggregate classification (germline): Uncertain significance. Review status: criteria provided, multiple submitters, no conflicts (2 of 4 stars). 2 submissions from 2 submitters: Uncertain significance (2). Last evaluated 2024-10-11.

gnomAD v4.1: 3 of 1,613,974 alleles (0.00019%); highest among the groups gnomAD compares: Non-Finnish European, 0.00017%; no homozygotes.

Submissions (3):

Dasa
Classification: Uncertain significance. Last evaluated: 2024-10-11. Review status: criteria provided, single submitter. Criteria: DASA Assertion Criteria. Collection method: clinical testing. Allele origin: germline.
Comment: NM_004385.5(VCAN):c.5576C>T (p.Ala1859Val) is a missense variant that results in the substitution of alanine with valine. This variant is rare in population databases. Computational prediction algorithms are consistent with a benign effect. The currently available literature and clinical evidence are not sufficient to establish a definitive association between this variant and the reported condition. Therefore, this variant is classified as a variant of uncertain significance.

Labcorp Genetics (formerly Invitae), Labcorp
Classification: Uncertain significance. Last evaluated: 2022-06-30. Review status: criteria provided, single submitter. Criteria: Invitae Variant Classification Sherloc (09022015). Collection method: clinical testing. Allele origin: germline.
Comment: This sequence change replaces alanine, which is neutral and non-polar, with valine, which is neutral and non-polar, at codon 1859 of the VCAN protein (p.Ala1859Val). This variant is present in population databases (no rsID available, gnomAD 0.0009%). This variant has not been reported in the literature in individuals affected with VCAN-related conditions. Algorithms developed to predict the effect of missense changes on protein structure and function (SIFT, PolyPhen-2, Align-GVGD) all suggest that this variant is likely to be tolerated. In summary, the available evidence is currently insufficient to determine the role of this variant in disease. Therefore, it has been classified as a Variant of Uncertain Significance.

Dr. Peter K. Rogan Lab, Western University
No classification provided (evidence only). Condition: Thyroid cancer, nonmedullary, 1. Review status: no classification provided. Collection method: in vitro. Allele origin: not applicable. Functional consequence: retained intron. Not counted in ClinVar's aggregate classification.

NM_004385.5(VCAN):c.5576C>T (p.Ala1859Val)

Genes: VCAN (versican; plus strand), VCAN-AS1 (VCAN antisense RNA 1; minus strand). Cytogenetic location: 5q14.3.
Variant type: single nucleotide variant.
Coding change: c.5576C>T on transcript NM_004385.5 (MANE Select); coding-DNA position 5576, C replaced by T.
Protein change: p.Ala1859Val; replaces alanine 1859 with valine.
Molecular consequence: missense variant. On other transcripts: intron variant (2).
Genome position (GRCh38, 1-based): chr5:83,538,579, C>T. VCF-style: chr5-83538579-C-T. GRCh37 (hg19) VCF-style: chr5-82834398-C-T.
Other names: c.2615C>T, p.Ala872Val (NM_001164097.2); c.4004-6958C>T (NM_001164098.2); c.1043-6958C>T (NM_001126336.3); short protein forms A1859V, A872V.
Identifiers: ClinVar variation 2041395 (VCV002041395.7), dbSNP rs34050047, ClinGen allele CA360310703.
Genomic context (GRCh38, chr5:83,538,579, plus strand): 5'-AAGCTGCTGCCGACCCAGAAACCACCACTGTTTCTTCATTTTCATTAAACGTAGAGTATG[C>T]AATTCAAGCCGAAAAGGAAGTAGCTGGCACTTTGTCTCCGCATGTGGAAACTACATTCTC-3'
Protein context (NP_004376.2, residues 1849-1869): VSSFSLNVEY[Ala1859Val]IQAEKEVAGT